The following is an entry in ClinVar:

NM_001134363.3(RBM20):c.2395G>T (p.Asp799Tyr)

Gene: RBM20 (RNA binding motif protein 20; plus strand). Cytogenetic location: 10q25.2.
Variant type: single nucleotide variant.
Coding change: c.2395G>T on transcript NM_001134363.3 (MANE Select); coding-DNA position 2395, G replaced by T.
Protein change: p.Asp799Tyr; replaces aspartic acid 799 with tyrosine.
Molecular consequence: missense variant.
Genome position (GRCh38, 1-based): chr10:110,812,792, G>T. VCF-style: chr10-110812792-G-T. GRCh37 (hg19) VCF-style: chr10-112572550-G-T.
Other names: short protein forms D799Y.
Identifiers: ClinVar variation 2449390 (VCV002449390.2), dbSNP rs2493475760, ClinGen allele CA378373747.
Genomic context (GRCh38, chr10:110,812,792, plus strand): 5'-CCCGGGAGGTCCAGGAGGAAAGACGAGGCCAGGCTGCGGGAAAGCAGACACCCCCATCCG[G>T]ATGACTCAGGCAAGGAAGATGGGCTGGGGCCAAAGGTCACTAGGGCCCCTGAGGGCGCCA-3'
Protein context (NP_001127835.2, residues 789-809): RLRESRHPHP[Asp799Tyr]DSGKEDGLGP

ClinVar aggregate classification (germline): Uncertain significance (1 of 4 stars; one submission).

Conditions:
Cardiovascular phenotype. Identifiers: MedGen CN230736.

Submission:

Ambry Genetics
Classification: Uncertain significance for Cardiovascular phenotype. Last evaluated: 2022-12-31. Review status: criteria provided, single submitter. Criteria: Ambry Variant Classification Scheme 2023. Collection method: clinical testing. Allele origin: germline.
Comment: The p.D799Y variant (also known as c.2395G>T), located in coding exon 9 of the RBM20 gene, results from a G to T substitution at nucleotide position 2395. The aspartic acid at codon 799 is replaced by tyrosine, an amino acid with highly dissimilar properties. This amino acid position is conserved. In addition, this alteration is predicted to be tolerated by in silico analysis. Since supporting evidence is limited at this time, the clinical significance of this alteration remains unclear.